The following is an entry in ClinVar:

ClinVar aggregate classification (germline): Uncertain significance (1 of 4 stars; one submission).

Submission:

GeneDx
Classification: Uncertain significance. Last evaluated: 2024-01-16. Review status: criteria provided, single submitter. Criteria: GeneDx Variant Classification Process June 2021. Collection method: clinical testing. Allele origin: germline. Affected: yes.
Comment: Not observed at significant frequency in large population cohorts (gnomAD); Frameshift variant predicted to result in protein truncation or nonsense mediated decay in a gene or region of a gene for which loss of function is not a well-established mechanism of disease; Has not been previously published as pathogenic or benign to our knowledge

NM_003718.5(CDK13):c.32dup (p.Gly12fs)

Gene: CDK13 (cyclin dependent kinase 13; plus strand). Cytogenetic location: 7p14.1.
Variant type: Duplication.
Coding change: c.32dup on transcript NM_003718.5 (MANE Select); coding-DNA position 32, one base duplicated (G; older notation c.32dupG).
Protein change: p.Gly12fs; shifts the reading frame from glycine 12.
Molecular consequence: frameshift variant.
Genome position (GRCh38, 1-based): chr7:39,950,673, G duplicated; the last of 6 consecutive G bases (chr7:39,950,668-39,950,673); duplicating any one gives the same sequence. VCF-style (leftmost placement, unchanged base first): chr7-39950667-T-TG. GRCh37 (hg19) VCF-style: chr7-39990266-T-TG.
Other names: c.32dup, p.Gly12Argfs (NM_031267.4); short protein forms G12fs.
Identifiers: ClinVar variation 3367868 (VCV003367868.1).
Genomic context (GRCh38, chr7:39,950,667, plus strand): 5'-GCACCCGCGCCGCGCTCTGCGGCTGGCTCTAGGCGATGCCGAGCAGCTCGGACACGGCGC[T>TG]GGGGGGAGGCGGGGGCCTGAGCTGGGCGGAGAAGAAGTTGGAGGAACGCCGCAAGCGGAG-3'